The following is an entry in ClinVar:

NM_006005.3(WFS1):c.2107C>T (p.Arg703Cys)

Gene: WFS1 (wolframin ER transmembrane glycoprotein; plus strand). Cytogenetic location: 4p16.1.
Variant type: single nucleotide variant.
Coding change: c.2107C>T on transcript NM_006005.3 (MANE Select); coding-DNA position 2107, C replaced by T.
Protein change: p.Arg703Cys; replaces arginine 703 with cysteine.
Molecular consequence: missense variant.
Genome position (GRCh38, 1-based): chr4:6,301,902, C>T. VCF-style: chr4-6301902-C-T. GRCh37 (hg19) VCF-style: chr4-6303629-C-T.
Other names: c.2107C>T, p.Arg703Cys (NM_001145853.1); short protein forms R703C.
Identifiers: ClinVar variation 1299576 (VCV001299576.14), dbSNP rs201888856, ClinGen allele CA2839602.
Genomic context (GRCh38, chr4:6,301,902, plus strand): 5'-ATGGCGCGCACCCAGATCCTCTGCAGCCACCTGGAGGGCCACAGGGTCACGTGGACCGGC[C>T]GCTTCAAGTACGTCCGCGTGACTGACATCGACAACAGCGCCGAGTCTGCCATCAACATGC-3'
Protein context (NP_005996.2, residues 693-713): LEGHRVTWTG[Arg703Cys]FKYVRVTDID

ClinVar aggregate classification (germline): Conflicting classifications of pathogenicity. Review status: criteria provided, conflicting classifications (1 of 4 stars). 8 submissions from 8 submitters: Pathogenic (1); Likely pathogenic (1); Uncertain significance (6). Last evaluated 2025-12-16.

Conditions:
Wolfram syndrome 1 (WFS1). Identifiers: Orphanet 3463, MedGen C4551693, MONDO:0009101, OMIM 222300.
Wolfram-like syndrome. Also called: HEARING LOSS, PROGRESSIVE, WITH OPTIC ATROPHY AND/OR IMPAIRED GLUCOSE REGULATION. Identifiers: Orphanet 411590, MedGen C3280358, MONDO:0013673, OMIM 614296.
Cataract 41 (CTRCT41). Also called: CATARACT 41, CONGENITAL NUCLEAR TYPE. Identifiers: Orphanet 91492, Orphanet 98991, Orphanet 98992, Orphanet 98995, MedGen C3805412, MONDO:0007287, OMIM 116400.
Autosomal dominant nonsyndromic hearing loss 6 (LFSNHL). Also called: DEAFNESS, AUTOSOMAL DOMINANT 14; DEAFNESS, AUTOSOMAL DOMINANT 38; Autosomal dominant nonsyndromic deafness 6; DEAFNESS, AUTOSOMAL DOMINANT 6. Identifiers: Orphanet 90635, MedGen C1833021, MONDO:0010963, OMIM 600965.
Type 2 diabetes mellitus. Also called: Type II diabetes mellitus. Identifiers: MedGen C0011860, MeSH D003924, MONDO:0005148, OMIM 125853, HP:0005978.
Inborn genetic diseases. Identifiers: MedGen C0950123, MeSH D030342.

Allele frequency attached by ClinVar (database versions not stated): gnomAD 0.00004 and 0.00005; gnomAD exomes 0.00006; TOPMed 0.00006; ExAC 0.00007.

Submissions (8):

GeneDx
Classification: Uncertain significance. Last evaluated: 2025-12-16. Review status: criteria provided, single submitter. Criteria: GeneDx Variant Classification Process June 2021. Collection method: clinical testing. Allele origin: germline.
Comment: Also reported as a heterozygous variant in one family with diabetes; however, this variant did not segregate with all the affected individuals (PMID: 22662265); In silico analysis supports that this missense variant has a deleterious effect on protein structure/function; This variant is associated with the following publications: (PMID: 25255707, 23903355, 22662265, 35452662)

Labcorp Genetics (formerly Invitae), Labcorp
Classification: Uncertain significance. Last evaluated: 2025-12-15. Review status: criteria provided, single submitter. Criteria: Invitae Variant Classification Sherloc (09022015). Collection method: clinical testing. Allele origin: germline.
Comment: This sequence change replaces arginine, which is basic and polar, with cysteine, which is neutral and slightly polar, at codon 703 of the WFS1 protein (p.Arg703Cys). This variant is present in population databases (rs201888856, gnomAD 0.02%). This missense change has been observed in individual(s) with maturity-onset diabetes of the young (PMID: 22662265). ClinVar contains an entry for this variant (Variation ID: 1299576). Invitae Evidence Modeling of protein sequence and biophysical properties (such as structural, functional, and spatial information, amino acid conservation, physicochemical variation, residue mobility, and thermodynamic stability) has been performed for this missense variant. However, the output from this modeling did not meet the statistical confidence thresholds required to predict the impact of this variant on WFS1 protein function. In summary, the available evidence is currently insufficient to determine the role of this variant in disease. Therefore, it has been classified as a Variant of Uncertain Significance.

Dasa
Classification: Uncertain significance for Wolfram syndrome 1. Last evaluated: 2025-10-04. Review status: criteria provided, single submitter. Criteria: DASA Assertion Criteria. Collection method: clinical testing. Allele origin: germline.
Comment: NM_006005.3(WFS1):c.2107C>T (p.Arg703Cys) is a missense variant that results in the substitution of arginine with cysteine. This variant is rare in population databases. Computational prediction algorithms are consistent with a deleterious effect. The currently available literature and clinical evidence are not sufficient to establish a definitive association between this variant and the reported condition. Therefore, this variant is classified as a variant of uncertain significance.

Ambry Genetics
Classification: Uncertain significance for Inborn genetic diseases. Last evaluated: 2025-04-25. Review status: criteria provided, single submitter. Criteria: Ambry Variant Classification Scheme 2023. Collection method: clinical testing. Allele origin: germline.
Comment: The c.2107C>T (p.R703C) alteration is located in exon 8 (coding exon 7) of the WFS1 gene. This alteration results from a C to T substitution at nucleotide position 2107, causing the arginine (R) at amino acid position 703 to be replaced by a cysteine (C). Based on data from gnomAD, this allele has an overall frequency of 0.006% (14/250084) total alleles studied. The highest observed frequency was 0.016% (5/30604) of South Asian alleles. This amino acid position is highly conserved in available vertebrate species. This alteration is predicted to be deleterious by in silico analysis. Based on insufficient or conflicting evidence, the clinical significance of this alteration remains unclear.

Fulgent Genetics
Classification: Uncertain significance for Cataract 41; Type 2 diabetes mellitus; Wolfram syndrome 1; Autosomal dominant nonsyndromic hearing loss 6; Wolfram-like syndrome. Last evaluated: 2024-05-20. Review status: criteria provided, single submitter. Criteria: ACMG Guidelines, 2015. Collection method: clinical testing. Allele origin: germline.

Blueprint Genetics
Classification: Uncertain significance. Last evaluated: 2022-01-27. Review status: criteria provided, single submitter. Criteria: ACMG Guidelines, 2015. Collection method: clinical testing. Allele origin: germline.

Laboratory of Medical Genetics, National & Kapodistrian University of Athens
Classification: Pathogenic for Wolfram syndrome 1. Last evaluated: 2021-10-05. Review status: criteria provided, single submitter. Criteria: ACMG Guidelines, 2015. Collection method: clinical testing. Allele origin: maternal. Affected: yes.
Comment: PM1, PM2, PM5, PP3, PP5

Genetics and Genomic Medicine Centre, NeuroGen Healthcare, NeuroGen Healthcare
Classification: Likely pathogenic for Wolfram syndrome 1. Last evaluated: 2021-04-07. Review status: criteria provided, single submitter. Criteria: Submitter's publication. Collection method: clinical testing. Allele origin: unknown. Affected: no.

Literature cited by the submitters: PubMed 22662265 (cited by Labcorp Genetics (formerly Invitae), Labcorp).